The following is an entry in ClinVar:

NM_014159.7(SETD2):c.4043A>G (p.His1348Arg)

Gene: SETD2 (SET domain containing 2, histone lysine methyltransferase; minus strand). Cytogenetic location: 3p21.31.
Variant type: single nucleotide variant.
Coding change: c.4043A>G on transcript NM_014159.7 (MANE Select); coding-DNA position 4043, A replaced by G.
Protein change: p.His1348Arg; replaces histidine 1348 with arginine.
Molecular consequence: missense variant. On other transcripts: non-coding transcript variant (1).
Genome position (GRCh38, 1-based): chr3:47,120,593, T>C on the plus strand (A>G on the coding strand, the complement: SETD2 is on the minus strand). VCF-style: chr3-47120593-T-C. GRCh37 (hg19) VCF-style: chr3-47162083-T-C.
Other names: c.3911A>G, p.His1304Arg (NM_001349370.3); short protein forms H1304R, H1348R.
Identifiers: ClinVar variation 2664189 (VCV002664189.1), dbSNP rs2545619800, ClinGen allele CA352519027.

ClinVar aggregate classification (germline): Uncertain significance (1 of 4 stars; one submission).

Conditions:
Luscan-Lumish syndrome. Identifiers: Orphanet 597738, MedGen C4085873, MONDO:0014791, OMIM 616831.

Submission:

Neuberg Centre For Genomic Medicine, NCGM
Classification: Uncertain significance for Luscan-Lumish syndrome. Review status: criteria provided, single submitter. Criteria: ACMG Guidelines, 2015. Collection method: clinical testing. Allele origin: germline. Inheritance: Autosomal dominant inheritance. Affected: yes.
Comment: The missense c.4043A>G(p.His1348Arg) variant in SETD2 gene has not been reported previously as a pathogenic variant nor a benign variant, to our knowledge. The p.His1348Arg variant is novel (not in any individuals) in both gnomAD Exomes and 1000 Genomes databases. This variant has not been reported to the ClinVar database. The amino acid change p.His1348Arg in SETD2 is predicted as conserved by GERP++ and PhyloP across 100 vertebrates. The amino acid His at position 1348 is changed to a Arg changing protein sequence and it might alter its composition and physico-chemical properties. For these reasons, this variant has been classified as a Variant of Uncertain Significance (VUS).